The following is an entry in ClinVar:

ClinVar aggregate classification (germline): Uncertain significance (1 of 4 stars; one submission).

Allele frequency attached by ClinVar (database versions not stated): gnomAD exomes below 0.00001.
gnomAD v4.1: 2 of 1,613,986 alleles (0.00012%); highest among the groups gnomAD compares: Non-Finnish European, 0.00017%; no homozygotes.

Submission:

Women's Health and Genetics/Laboratory Corporation of America, LabCorp
Classification: Uncertain significance. Last evaluated: 2024-01-03. Review status: criteria provided, single submitter. Criteria: LabCorp Variant Classification Summary - May 2015. Collection method: clinical testing. Allele origin: germline.
Comment: Variant summary: TRPM7 c.5156T>C (p.Val1719Ala) results in a non-conservative amino acid change located in the alpha-kinase domain (IPR004166) of the encoded protein sequence. Four of five in-silico tools predict a damaging effect of the variant on protein function. The variant allele was found at a frequency of 3.2e-06 in 624438 control chromosomes (i.e. 2 heterozygotes) in the gnomAD database (v4.0 dataset). The available data on variant occurrences in the general population are insufficient to allow any conclusion about variant significance. To our knowledge, no occurrence of c.5156T>C in individuals affected with Amyotrophic Lateral Sclerosis-Parkinsonism Complex and no experimental evidence demonstrating its impact on protein function have been reported. No submitters have cited clinical-significance assessments for this variant to ClinVar after 2014. Based on the evidence outlined above, the variant was classified as uncertain significance.

NM_017672.6(TRPM7):c.5156T>C (p.Val1719Ala)

Gene: TRPM7 (transient receptor potential cation channel subfamily M member 7; minus strand). Cytogenetic location: 15q21.2.
Variant type: single nucleotide variant.
Coding change: c.5156T>C on transcript NM_017672.6 (MANE Select); coding-DNA position 5156, T replaced by C.
Protein change: p.Val1719Ala; replaces valine 1719 with alanine.
Molecular consequence: missense variant. On other transcripts: non-coding transcript variant (3).
Genome position (GRCh38, 1-based): chr15:50,574,426, A>G on the plus strand (T>C on the coding strand, the complement: TRPM7 is on the minus strand). VCF-style: chr15-50574426-A-G. GRCh37 (hg19) VCF-style: chr15-50866623-A-G.
Other names: c.5153T>C, p.Val1718Ala (NM_001301212.2); short protein forms V1718A, V1719A.
Identifiers: ClinVar variation 3063745 (VCV003063745.1), dbSNP rs2542192189, ClinGen allele CA392386966.